The following is an entry in ClinVar:

ClinVar aggregate classification (germline): Uncertain significance (1 of 4 stars; one submission).

Allele frequency attached by ClinVar (database versions not stated): gnomAD exomes below 0.00001.
gnomAD v4.1: 4 of 1,614,212 alleles (0.00025%); highest among the groups gnomAD compares: Non-Finnish European, 0.00034%; no homozygotes.

Submission:

Ambry Genetics
Classification: Uncertain significance. Last evaluated: 2024-01-17. Review status: criteria provided, single submitter. Criteria: Ambry Variant Classification Scheme 2023. Collection method: clinical testing. Allele origin: germline.
Comment: The p.E782D variant (also known as c.2346A>C), located in coding exon 22 of the KIF1B gene, results from an A to C substitution at nucleotide position 2346. The glutamic acid at codon 782 is replaced by aspartic acid, an amino acid with highly similar properties. This amino acid position is conserved. In addition, the in silico prediction for this alteration is inconclusive. Based on the available evidence, the clinical significance of this alteration remains unclear.

NM_001365951.3(KIF1B):c.2484A>C (p.Glu828Asp)

Gene: KIF1B (kinesin family member 1B; plus strand). Cytogenetic location: 1p36.22.
Variant type: single nucleotide variant.
Coding change: c.2484A>C on transcript NM_001365951.3 (MANE Select); coding-DNA position 2484, A replaced by C.
Protein change: p.Glu828Asp; replaces glutamic acid 828 with aspartic acid.
Molecular consequence: missense variant.
Genome position (GRCh38, 1-based): chr1:10,324,009, A>C. VCF-style: chr1-10324009-A-C. GRCh37 (hg19) VCF-style: chr1-10384067-A-C.
Other names: c.2484A>C, p.Glu828Asp (NM_001365952.1); c.2346A>C, p.Glu782Asp (NM_015074.3); short protein forms E782D, E828D.
Identifiers: ClinVar variation 3226393 (VCV003226393.1), dbSNP rs2521623093, ClinGen allele CA338334903.
Genomic context (GRCh38, chr1:10,324,009, plus strand): 5'-CACTGAGATGGAAAAAACTCATGAGGACAGGCCTTTCCCTCGCACAGTGGTAGCAGTAGA[A>C]GTCCAGGATTTGAAGAATGGAGCAACACACTATTGGTCTTTGGAGAAACTCAAGTATGAA-3'
Protein context (NP_001352880.1, residues 818-838): RPFPRTVVAV[Glu828Asp]VQDLKNGATH